The following is an entry in ClinVar:

NM_003200.5(TCF3):c.1859G>A (p.Arg620Gln)

Gene: TCF3 (transcription factor 3; minus strand). Cytogenetic location: 19p13.3.
Variant type: single nucleotide variant.
Coding change: c.1859G>A on transcript NM_003200.5 (MANE Select); coding-DNA position 1859, G replaced by A.
Protein change: p.Arg620Gln; replaces arginine 620 with glutamine.
Molecular consequence: missense variant.
Genome position (GRCh38, 1-based): chr19:1,611,813, C>T on the plus strand (G>A on the coding strand, the complement: TCF3 is on the minus strand). VCF-style: chr19-1611813-C-T. GRCh37 (hg19) VCF-style: chr19-1611812-C-T.
Other names: c.1850G>A, p.Arg617Gln (NM_001136139.4, NM_001351779.2); c.1856G>A, p.Arg619Gln (NM_001351778.2); short protein forms R617Q, R619Q, R620Q.
Identifiers: ClinVar variation 3616775 (VCV003616775.2).

ClinVar aggregate classification (germline): Uncertain significance (1 of 4 stars; one submission).

gnomAD v4.1: 19 of 1,613,446 alleles (0.0012%); highest among the groups gnomAD compares: Non-Finnish European, 0.0014%; no homozygotes.

Submission:

Labcorp Genetics (formerly Invitae), Labcorp
Classification: Uncertain significance. Last evaluated: 2025-09-30. Review status: criteria provided, single submitter. Criteria: Invitae Variant Classification Sherloc (09022015). Collection method: clinical testing. Allele origin: germline.
Comment: This sequence change replaces arginine, which is basic and polar, with glutamine, which is neutral and polar, at codon 620 of the TCF3 protein (p.Arg620Gln). This variant is present in population databases (rs538013937, gnomAD 0.004%). This variant has not been reported in the literature in individuals affected with TCF3-related conditions. ClinVar contains an entry for this variant (Variation ID: 3616775). Invitae Evidence Modeling of protein sequence and biophysical properties (such as structural, functional, and spatial information, amino acid conservation, physicochemical variation, residue mobility, and thermodynamic stability) indicates that this missense variant is expected to disrupt TCF3 protein function with a positive predictive value of 80%. In summary, the available evidence is currently insufficient to determine the role of this variant in disease. Therefore, it has been classified as a Variant of Uncertain Significance.